The following is an entry in ClinVar:

NM_000179.3(MSH6):c.3306T>A (p.Thr1102=)

Gene: MSH6 (mutS homolog 6; plus strand). Cytogenetic location: 2p16.3.
Variant type: single nucleotide variant.
Coding change: c.3306T>A on transcript NM_000179.3 (MANE Select); coding-DNA position 3306, T replaced by A.
Protein change: p.Thr1102=; no amino-acid change (threonine 1102 retained).
Molecular consequence: synonymous variant.
Genome position (GRCh38, 1-based): chr2:47,803,553, T>A. VCF-style: chr2-47803553-T-A. GRCh37 (hg19) VCF-style: chr2-48030692-T-A.
Other names: c.2916T>A, p.Thr972= (NM_001281492.2); c.2400T>A, p.Thr800= (NM_001281493.2, NM_001281494.2).
Identifiers: ClinVar variation 36589 (VCV000036589.54), dbSNP rs2020910, ClinGen allele CA012517.

ClinVar aggregate classification (germline): Benign. Review status: reviewed by expert panel (3 of 4 stars). 25 submissions from 25 submitters: Benign (1). 24 of the submissions do not count toward it. Last evaluated 2013-09-05.

Conditions:
Hereditary nonpolyposis colorectal neoplasms. Identifiers: MedGen C0009405, MeSH D003123.
Hereditary cancer-predisposing syndrome. Also called: Neoplastic Syndromes, Hereditary; Hereditary neoplastic syndrome; Tumor predisposition; Hereditary Cancer Syndrome. Identifiers: Orphanet 140162, MedGen C0027672, MeSH D009386, MONDO:0015356.
Lynch syndrome. Identifiers: Orphanet 144, MedGen C4552100, MONDO:0005835. Disease mechanism: loss of function.
Lynch syndrome 5 (LYNCH5). Also called: Colorectal cancer, hereditary nonpolyposis, type 5; Hereditary non-polyposis colorectal cancer, type 5. Identifiers: Orphanet 144, MedGen C1833477, MONDO:0013710, OMIM 614350. Disease mechanism: loss of function.
Carcinoma of colon (CRC). Also called: Colonic carcinoma; Colon carcinoma. Identifiers: MedGen C0699790, MONDO:0002032.

Allele frequency attached by ClinVar (database versions not stated): ESP Exome Variant Server 0.00446; gnomAD 0.00869 and 0.01157; TOPMed 0.01207; gnomAD exomes 0.02028; ExAC 0.02044; 1000 Genomes Project 30x 0.04466; 1000 Genomes Project 0.04932.
gnomAD v4.1: 15,818 of 1,614,072 alleles (0.98%); highest among the groups gnomAD compares: East Asian, 24%; 1,342 homozygotes.

Submissions (25):

International Society for Gastrointestinal Hereditary Tumours (InSiGHT)
Classification: Benign for Lynch Syndrome. Last evaluated: 2013-09-05. Review status: reviewed by expert panel. Criteria: Guidelines v1.9. Collection method: research. Allele origin: germline.
Comment: MAF >1%

Classified with v1.9 guidelines
ClinVar note: Converted during submission from no known pathogenicity to Benign.

Labcorp Genetics (formerly Invitae), Labcorp
Classification: Benign for Hereditary nonpolyposis colorectal neoplasms. Last evaluated: 2026-02-04. Review status: criteria provided, single submitter. Criteria: Invitae Variant Classification Sherloc (09022015). Collection method: clinical testing. Allele origin: germline. Not counted in ClinVar's aggregate classification.

ARUP Laboratories, Molecular Genetics and Genomics, ARUP Laboratories
Classification: Benign. Last evaluated: 2025-06-26. Review status: criteria provided, single submitter. Criteria: ARUP Molecular Germline Variant Investigation Process 2024. Collection method: clinical testing. Allele origin: germline. Not counted in ClinVar's aggregate classification.

Center for Genomic Medicine, Rigshospitalet, Copenhagen University Hospital
Classification: Benign. Last evaluated: 2025-03-04. Review status: criteria provided, single submitter. Criteria: ACMG Guidelines, 2015. Collection method: clinical testing. Allele origin: germline. Not counted in ClinVar's aggregate classification.

Myriad Genetics, Inc.
Classification: Benign for Lynch syndrome 5. Last evaluated: 2025-01-06. Review status: criteria provided, single submitter. Criteria: Myriad Autosomal Dominant, Autosomal Recessive and X-Linked Classification Criteria (2023). Collection method: clinical testing. Allele origin: unknown. Not counted in ClinVar's aggregate classification.
Comment: This variant is considered benign. This variant is a silent/synonymous amino acid change and it is not expected to impact splicing.

Blueprint Genetics
Classification: Likely benign. Last evaluated: 2024-11-26. Review status: criteria provided, single submitter. Criteria: ACMG Guidelines, 2015. Collection method: clinical testing. Allele origin: germline. Not counted in ClinVar's aggregate classification.

All of Us Research Program, National Institutes of Health
Classification: Benign for Lynch syndrome. Last evaluated: 2024-10-01. Review status: criteria provided, single submitter. Criteria: ACMG Guidelines, 2015. Collection method: clinical testing. Allele origin: germline. Inheritance: Autosomal dominant inheritance. Observed: 2,538 variant alleles, 2,361 heterozygotes, 176 homozygotes, 1 hemizygote. Not counted in ClinVar's aggregate classification.
Comment: This study involves interpretation of variants in research participants for the purpose of population health screening. Participant phenotype was not available at the time of variant classification. Additional details can be found in publication PMID: 35346344, PMCID: PMC8962531

KCCC/NGS Laboratory, Kuwait Cancer Control Center
Classification: Benign for Lynch syndrome 5. Last evaluated: 2023-07-07. Review status: criteria provided, single submitter. Criteria: ACMG Guidelines, 2015. Collection method: clinical testing. Allele origin: germline. Affected: yes. Not counted in ClinVar's aggregate classification.

Sema4
Classification: Benign for Hereditary cancer-predisposing syndrome. Last evaluated: 2021-05-11. Review status: criteria provided, single submitter. Criteria: Sema4 Curation Guidelines. Collection method: curation. Allele origin: germline. Not counted in ClinVar's aggregate classification.

Ambry Genetics
Classification: Benign for Hereditary cancer-predisposing syndrome. Last evaluated: 2019-05-07. Review status: criteria provided, single submitter. Criteria: Ambry Variant Classification Scheme 2023. Collection method: clinical testing. Allele origin: germline. Not counted in ClinVar's aggregate classification.

Illumina Laboratory Services, Illumina
Classification: Benign for Lynch syndrome 5. Last evaluated: 2018-01-12. Review status: criteria provided, single submitter. Criteria: ICSL Variant Classification Criteria 13 December 2019. Collection method: clinical testing. Allele origin: germline. Not counted in ClinVar's aggregate classification.
Comment: This variant was observed in the ICSL laboratory as part of a predisposition screen in an ostensibly healthy population. It had not been previously curated by ICSL or reported in the Human Gene Mutation Database (HGMD: prior to June 1st, 2018), and was therefore a candidate for classification through an automated scoring system. Utilizing variant allele frequency, disease prevalence and penetrance estimates, and inheritance mode, an automated score was calculated to assess if this variant is too frequent to cause the disease. Based on the score and internal cut-off values, a variant classified as benign is not then subjected to further curation. The score for this variant resulted in a classification of benign for this disease.

Clinical Genetics DNA and cytogenetics Diagnostics Lab, Erasmus MC, Erasmus Medical Center
Classification: Benign for Lynch syndrome 5. Last evaluated: 2015-09-21. Review status: criteria provided, single submitter. Criteria: ACGS Guidelines, 2013. Collection method: clinical testing. Allele origin: germline. Affected: yes. Study: VKGL Data-share Consensus. Not counted in ClinVar's aggregate classification.

Color Diagnostics, LLC DBA Color Health
Classification: Benign for Hereditary cancer-predisposing syndrome. Last evaluated: 2015-04-08. Review status: criteria provided, single submitter. Criteria: ACMG Guidelines, 2015. Collection method: clinical testing. Allele origin: germline. Not counted in ClinVar's aggregate classification.

GeneDx
Classification: Benign. Last evaluated: 2015-03-03. Review status: criteria provided, single submitter. Criteria: GeneDx Variant Classification Process June 2021. Collection method: clinical testing. Allele origin: germline. Affected: yes. Not counted in ClinVar's aggregate classification.

Eurofins Ntd Llc (ga)
Classification: Benign. Last evaluated: 2013-02-19. Review status: criteria provided, single submitter. Criteria: EGL Classification Definitions 2015. Collection method: clinical testing. Allele origin: germline. Observed: 3 variant alleles, 2 heterozygotes, 1 homozygote. Not counted in ClinVar's aggregate classification.

Women's Health and Genetics/Laboratory Corporation of America, LabCorp
Classification: Benign for Hereditary non-polyposis colon cancer. Last evaluated: 2011-08-18. Review status: criteria provided, single submitter. Criteria: LabCorp Variant Classification Summary - May 2015. Collection method: curation, clinical testing. Allele origin: germline. Inheritance: autosomal unknown. Affected: yes. Not counted in ClinVar's aggregate classification.
ClinVar note: Converted during submission from benign to Benign.

Breakthrough Genomics
Classification: Benign. Review status: criteria provided, single submitter. Criteria: ACMG Guidelines, 2015. Collection method: not provided. Allele origin: germline. Inheritance: Autosomal recessive inheritance. Affected: yes. Not counted in ClinVar's aggregate classification.

PreventionGenetics, part of Exact Sciences
Classification: Benign. Review status: criteria provided, single submitter. Criteria: ACMG Guidelines, 2015. Collection method: clinical testing. Allele origin: germline. Not counted in ClinVar's aggregate classification.

True Health Diagnostics
Classification: Likely benign for Hereditary cancer-predisposing syndrome. Last evaluated: 2018-02-15. Review status: no assertion criteria provided. Collection method: clinical testing. Allele origin: germline. Not counted in ClinVar's aggregate classification.

Clinical Genetics Laboratory, Department of Pathology, Netherlands Cancer Institute
Classification: Benign. Review status: no assertion criteria provided. Collection method: clinical testing. Allele origin: germline. Affected: yes. Study: VKGL Data-share Consensus. Not counted in ClinVar's aggregate classification.

Clinical Genetics, Academic Medical Center
Classification: Benign. Review status: no assertion criteria provided. Collection method: clinical testing. Allele origin: germline. Affected: yes. Study: VKGL Data-share Consensus. Not counted in ClinVar's aggregate classification.

Department of Pathology and Laboratory Medicine, Sinai Health System
Classification: Benign for Carcinoma of colon. Review status: no assertion criteria provided. Collection method: clinical testing. Allele origin: unknown. Affected: yes. Study: The Canadian Open Genetics Repository (COGR). Not counted in ClinVar's aggregate classification.
Comment: The p.Thr1102Thr variant has been identified in 27 out of 966 proband chromosomes (frequency 0.028) in individuals with breast, prostate and colorectal cancers, however no normal population controls were included in these studies (Chan 1999, Kolodner 1999, Vahteristo 2005, Colley 2005, Damaraju 2006). However, this variant is listed in dbSNP database (ID#: rs2020910) with an average heterozygosity of 0.053+/-0.154, increasing the likelihood that this variant is benign. In addition, this variant is not expected to have clinical significance because it does not alter an amino acid residue, and is not located near a splice junction. In summary, based on the above information this variant is classified as Benign.

Joint Genome Diagnostic Labs from Nijmegen and Maastricht, Radboudumc and MUMC+
Classification: Benign. Review status: no assertion criteria provided. Collection method: clinical testing. Allele origin: germline. Affected: yes. Study: VKGL Data-share Consensus. Not counted in ClinVar's aggregate classification.

Laboratory of Diagnostic Genome Analysis, Leiden University Medical Center (LUMC)
Classification: Benign. Review status: no assertion criteria provided. Collection method: clinical testing. Allele origin: germline. Affected: yes. Study: VKGL Data-share Consensus. Not counted in ClinVar's aggregate classification.

Mayo Clinic Laboratories, Mayo Clinic
Classification: Benign. Review status: no assertion criteria provided. Collection method: clinical testing. Allele origin: unknown. Not counted in ClinVar's aggregate classification.

Literature cited by the submitters: PubMed 10413423 (cited by Women's Health and Genetics/Laboratory Corporation of America, LabCorp); PubMed 10537275 (cited by Women's Health and Genetics/Laboratory Corporation of America, LabCorp).